The following is an entry in ClinVar:

NM_000179.3(MSH6):c.1772C>G (p.Pro591Arg)

Gene: MSH6 (mutS homolog 6; plus strand). Cytogenetic location: 2p16.3.
Variant type: single nucleotide variant.
Coding change: c.1772C>G on transcript NM_000179.3 (MANE Select); coding-DNA position 1772, C replaced by G.
Protein change: p.Pro591Arg; replaces proline 591 with arginine.
Molecular consequence: missense variant. On other transcripts: non-coding transcript variant (4), intron variant (2).
Genome position (GRCh38, 1-based): chr2:47,799,755, C>G. VCF-style: chr2-47799755-C-G. GRCh37 (hg19) VCF-style: chr2-48026894-C-G.
Other names: c.1382C>G, p.Pro461Arg (NM_001281492.2); c.866C>G, p.Pro289Arg (NM_001281493.2, NM_001281494.2, NM_001406811.1 and 6 more transcripts); c.1868C>G, p.Pro623Arg (NM_001406795.1, NM_001406802.1); c.1772C>G, p.Pro591Arg (NM_001406796.1, NM_001406798.1, NM_001406800.1 and 3 more transcripts); c.1475C>G, p.Pro492Arg (NM_001406797.1, NM_001406801.1, NM_001406805.1 and 10 more transcripts); c.1247C>G, p.Pro416Arg (NM_001406799.1, NM_001406806.1, NM_001406807.1); c.1694C>G, p.Pro565Arg (NM_001406804.1); c.1778C>G, p.Pro593Arg (NM_001406813.1); and 3 more; short protein forms P289R, P416R, P461R, P492R, P535R, P565R, P591R, P593R.
Identifiers: ClinVar variation 4800204 (VCV004800204.1).

ClinVar aggregate classification (germline): Uncertain significance (1 of 4 stars; one submission).

Conditions:
Hereditary nonpolyposis colorectal neoplasms. Identifiers: MedGen C0009405, MeSH D003123.

Submission:

Labcorp Genetics (formerly Invitae), Labcorp
Classification: Uncertain significance for Hereditary nonpolyposis colorectal neoplasms. Last evaluated: 2025-05-26. Review status: criteria provided, single submitter. Criteria: Invitae Variant Classification Sherloc (09022015). Collection method: clinical testing. Allele origin: germline.
Comment: This sequence change replaces proline, which is neutral and non-polar, with arginine, which is basic and polar, at codon 591 of the MSH6 protein (p.Pro591Arg). This variant is not present in population databases (gnomAD no frequency). This variant has not been reported in the literature in individuals affected with MSH6-related conditions. Invitae Evidence Modeling of protein sequence and biophysical properties (such as structural, functional, and spatial information, amino acid conservation, physicochemical variation, residue mobility, and thermodynamic stability) has been performed for this missense variant. However, the output from this modeling did not meet the statistical confidence thresholds required to predict the impact of this variant on MSH6 protein function. In summary, the available evidence is currently insufficient to determine the role of this variant in disease. Therefore, it has been classified as a Variant of Uncertain Significance.